The following is an entry in ClinVar:

NM_016327.3(UPB1):c.152A>G (p.Asp51Gly)

Gene: UPB1 (beta-ureidopropionase 1; plus strand). Cytogenetic location: 22q11.23.
Variant type: single nucleotide variant.
Coding change: c.152A>G on transcript NM_016327.3 (MANE Select); coding-DNA position 152, A replaced by G.
Protein change: p.Asp51Gly; replaces aspartic acid 51 with glycine.
Molecular consequence: missense variant.
Genome position (GRCh38, 1-based): chr22:24,500,154, A>G. VCF-style: chr22-24500154-A-G. GRCh37 (hg19) VCF-style: chr22-24896122-A-G.
Other names: short protein forms D51G.
Identifiers: ClinVar variation 5002927 (VCV005002927.1).
Genomic context (GRCh38, chr22:24,500,154, plus strand): 5'-CCTGCCCATCTAGGAAGCTTGATCTGCCCAGGGAAGCTTTCGAAGCTGCCTCCAGAGAAG[A>G]CTTTGAACTGCAGGGATATGCCTTTGAAGCAGCGGAGGAGCAGCTGAGACGACCCCGCAT-3'
Protein context (NP_057411.1, residues 41-61): REAFEAASRE[Asp51Gly]FELQGYAFEA

ClinVar aggregate classification (germline): Uncertain significance (1 of 4 stars; one submission).

Conditions:
Deficiency of beta-ureidopropionase (UPB1D). Also called: Beta-ureidopropionase deficiency. Identifiers: Orphanet 65287, MedGen C1291512, MONDO:0013164, OMIM 613161.

Submission:

OLLIN Analises Genomicas, OLLIN
Classification: Uncertain significance for Deficiency of beta-ureidopropionase. Last evaluated: 2026-08-06. Review status: criteria provided, single submitter. Criteria: ACMG Guidelines 2015 PMID 25741868. Collection method: clinical testing. Allele origin: germline. Inheritance: Autosomal recessive inheritance.
Comment: This missense variant, located in exon 2 (of 10), is absent from gnomAD and ClinVar and has not been identified in the literature. In silico analysis predicts that this variant has a tolerated effect. According to the currently available evidence, this variant has been classified as uncertain significance (PM2_P, BP4).